The following is an entry in ClinVar:

NM_170606.3(KMT2C):c.7443-6_7443-5insTTTTTTTTTA

Gene: KMT2C (lysine methyltransferase 2C; minus strand). Cytogenetic location: 7q36.1.
Variant type: Insertion.
Coding change: c.7443-6_7443-5insTTTTTTTTTA on transcript NM_170606.3 (MANE Select); 6 bases into the intron before coding-DNA position 7443 through 5 bases into the intron before coding-DNA position 7443, TTTTTTTTTA inserted.
Molecular consequence: intron variant.
Genome position: GRCh38 VCF-style: chr7-152178015-T-TTAAAAAAAAA. GRCh37 (hg19) VCF-style: chr7-151875100-T-TTAAAAAAAAA.
Identifiers: ClinVar variation 2658209 (VCV002658209.27), dbSNP rs1491309235, ClinGen allele CA918164843.
Genomic context (GRCh38, chr7:152,178,015, plus strand): 5'-CAAGGAAGCGCTCTTGACTCGGCATGGTACCATGACTACCTCCTGGAAATCCAAATCTTT[T>TTAAAAAAAAA]AAAAAAAAAAAAAAAAAAAAAAAAAAAGCAAATAGGTATTATGTTAAATTTAGAGTTAAG-3'

ClinVar aggregate classification (germline): Benign/Likely benign. Review status: criteria provided, multiple submitters, no conflicts (2 of 4 stars). 2 submissions from 2 submitters: Benign (1); Likely benign (1). Last evaluated 2026-09-01.

Submissions (2):

CeGaT Center for Human Genetics Tuebingen
Classification: Benign. Last evaluated: 2026-09-01. Review status: criteria provided, single submitter. Criteria: CeGaT Center For Human Genetics Tuebingen Variant Classification Criteria Version 2. Collection method: clinical testing. Allele origin: germline. Affected: yes. Observed: 10 variant alleles.
Comment: KMT2C: BP4, BS1, BS2

Labcorp Genetics (formerly Invitae), Labcorp
Classification: Likely benign. Last evaluated: 2025-06-25. Review status: criteria provided, single submitter. Criteria: Invitae Variant Classification Sherloc (09022015). Collection method: clinical testing. Allele origin: germline.